The following is an entry in ClinVar:

NM_000535.7(PMS2):c.1145-10G>T

Gene: PMS2 (PMS1 homolog 2, mismatch repair system component; minus strand). Cytogenetic location: 7p22.1.
Variant type: single nucleotide variant.
Coding change: c.1145-10G>T on transcript NM_000535.7 (MANE Select); 10 bases into the intron before coding-DNA position 1145, G replaced by T.
Molecular consequence: intron variant.
Genome position (GRCh38, 1-based): chr7:5,987,630, C>A on the plus strand (G>T on the coding strand, the complement: PMS2 is on the minus strand). VCF-style: chr7-5987630-C-A. GRCh37 (hg19) VCF-style: chr7-6027261-C-A.
Other names: c.827-10G>T (NM_001322008.2, NM_001322007.2); c.584-10G>T (NM_001322010.2); c.740-10G>T (NM_001322004.2, NM_001322003.2, NM_001322009.2 and 1 more transcripts); c.572-10G>T (NM_001322013.2); c.212-10G>T (NM_001322012.2, NM_001322011.2); c.836-10G>T (NM_001322015.2); c.989-10G>T (NM_001322006.2); c.1145-10G>T (NM_001322014.2, NM_000535.6).
Identifiers: ClinVar variation 512860 (VCV000512860.11), dbSNP rs533551639, ClinGen allele CA658796896.
Genomic context (GRCh38, chr7:5,987,630, plus strand): 5'-TTTCTACCATGGGCTTTTCCAAATCCGCTGCATGCATTTTTATTAAGTTACCTAAGCAAA[C>A]GTGGACGGAGAAGAGGGTCAGGGACTATCCTGAAATGGTGAGAGGACGTGCTTATGTGAA-3'

ClinVar aggregate classification (germline): Likely benign. Review status: criteria provided, multiple submitters, no conflicts (2 of 4 stars). 4 submissions from 4 submitters: Likely benign (4). Last evaluated 2025-11-13.

Conditions:
Lynch syndrome 4 (LYNCH4). Also called: Colorectal cancer, hereditary nonpolyposis, type 4; Hereditary non-polyposis colorectal cancer, type 4. Identifiers: Orphanet 144, MedGen C1838333, MONDO:0013699, OMIM 614337. Disease mechanism: loss of function.
Hereditary nonpolyposis colorectal neoplasms. Identifiers: MedGen C0009405, MeSH D003123.

Submissions (4):

Labcorp Genetics (formerly Invitae), Labcorp
Classification: Likely benign for Hereditary nonpolyposis colorectal neoplasms. Last evaluated: 2025-11-13. Review status: criteria provided, single submitter. Criteria: Invitae Variant Classification Sherloc (09022015). Collection method: clinical testing. Allele origin: germline.

Myriad Genetics, Inc.
Classification: Likely benign for Lynch syndrome 4. Last evaluated: 2025-01-29. Review status: criteria provided, single submitter. Criteria: Myriad Autosomal Dominant, Autosomal Recessive and X-Linked Classification Criteria (2023). Collection method: clinical testing. Allele origin: unknown.
Comment: This variant is considered likely benign. This variant is intronic and is not expected to impact mRNA splicing.

Quest Diagnostics Nichols Institute San Juan Capistrano
Classification: Likely benign. Last evaluated: 2024-12-25. Review status: criteria provided, single submitter. Criteria: Quest Diagnostics criteria. Collection method: clinical testing. Allele origin: unknown.

GeneDx
Classification: Likely benign. Last evaluated: 2017-10-23. Review status: criteria provided, single submitter. Criteria: GeneDx Variant Classification (06012015). Collection method: clinical testing. Allele origin: germline. Affected: yes.
Comment: This variant is considered likely benign or benign based on one or more of the following criteria: it is a conservative change, it occurs at a poorly conserved position in the protein, it is predicted to be benign by multiple in silico algorithms, and/or has population frequency not consistent with disease.